The following is an entry in ClinVar:

NM_001171.6(ABCC6):c.1624dup (p.Ser542fs)

Gene: ABCC6 (ATP binding cassette subfamily C member 6; minus strand). Cytogenetic location: 16p13.11.
Variant type: Duplication.
Coding change: c.1624dup on transcript NM_001171.6 (MANE Select); coding-DNA position 1624, one base duplicated (T; older notation c.1624dupT).
Protein change: p.Ser542fs; shifts the reading frame from serine 542.
Molecular consequence: frameshift variant. On other transcripts: non-coding transcript variant (4).
Genome position (GRCh38, 1-based): chr16:16,190,175, A duplicated on the plus strand (T on the coding strand, the reverse complement: ABCC6 is on the minus strand). VCF-style (leftmost placement, unchanged base first): chr16-16190174-G-GA. GRCh37 (hg19) VCF-style: chr16-16284031-G-GA.
Other names: c.1282dup, p.Ser428fs (NM_001351800.1); c.1624dup, p.Ser542fs (NM_001440309.1, NM_001440310.1); c.1624dupT (NM_001171.6); short protein forms S428fs, S542fs.
Identifiers: ClinVar variation 4886875 (VCV004886875.1).

ClinVar aggregate classification (germline): Uncertain significance (1 of 4 stars; one submission).

Conditions:
Pseudoxanthoma elasticum, forme fruste. Also called: Pseudoxanthoma Elasticum, Incomplete; PSEUDOXANTHOMA ELASTICUM, HETEROZYGOUS. Identifiers: Orphanet 758, MedGen C1867450, MONDO:0008333, OMIM 177850.

Submission:

Genetics Laboratory, Department of Biology, Semnan University
Classification: Uncertain significance for Pseudoxanthoma elasticum, forme fruste. Last evaluated: 2020-01-07. Review status: criteria provided, single submitter. Criteria: ACMG Guidelines, 2015. Collection method: research. Allele origin: germline. Inheritance: Autosomal dominant inheritance. Affected: yes. Observed: 1 variant allele, 1 heterozygote.
Comment: The identified variant leads to the duplication of Nucleotide T at position 1624 of ABCC6 gene CDS leading to frameshift of coding sequence. Hence, this substitution could alter the amino acid sequence and could leads to a decreased or loss of function of mutated protein.

Literature cited by the submitters: DOI 10.1038/s41439-019-0062-x.